The following is an entry in ClinVar:

ClinVar aggregate classification (germline): Uncertain significance (1 of 4 stars; one submission).

Conditions:
CHARGE syndrome (CHARGE). Also called: Hittner Hirsch Kreh syndrome; CHARGE ASSOCIATION--COLOBOMA, HEART ANOMALY, CHOANAL ATRESIA, RETARDATION, GENITAL AND EAR ANOMALIES; Coloboma, heart anomaly, choanal atresia, retardation, genital and ear anomalies; CHARGE association; Hall-Hittner syndrome. Identifiers: Orphanet 138, MedGen C0265354, MONDO:0008965.

Allele frequency attached by ClinVar (database versions not stated): gnomAD exomes below 0.00001.
gnomAD v4.1: 2 of 1,614,082 alleles (0.00012%); highest among the groups gnomAD compares: South Asian, 0.0022%; no homozygotes.

Submission:

Labcorp Genetics (formerly Invitae), Labcorp
Classification: Uncertain significance for CHARGE syndrome. Last evaluated: 2024-02-24. Review status: criteria provided, single submitter. Criteria: Invitae Variant Classification Sherloc (09022015). Collection method: clinical testing. Allele origin: germline.
Comment: This sequence change replaces serine, which is neutral and polar, with asparagine, which is neutral and polar, at codon 2860 of the CHD7 protein (p.Ser2860Asn). This variant is not present in population databases (gnomAD no frequency). This variant has not been reported in the literature in individuals affected with CHD7-related conditions. ClinVar contains an entry for this variant (Variation ID: 1413612). Advanced modeling of protein sequence and biophysical properties (such as structural, functional, and spatial information, amino acid conservation, physicochemical variation, residue mobility, and thermodynamic stability) performed at Invitae indicates that this missense variant is not expected to disrupt CHD7 protein function with a negative predictive value of 95%. In summary, the available evidence is currently insufficient to determine the role of this variant in disease. Therefore, it has been classified as a Variant of Uncertain Significance.

NM_017780.4(CHD7):c.8579G>A (p.Ser2860Asn)

Gene: CHD7 (chromodomain helicase DNA binding protein 7; plus strand). Cytogenetic location: 8q12.2.
Variant type: single nucleotide variant.
Coding change: c.8579G>A on transcript NM_017780.4 (MANE Select); coding-DNA position 8579, G replaced by A.
Protein change: p.Ser2860Asn; replaces serine 2860 with asparagine.
Molecular consequence: missense variant.
Genome position (GRCh38, 1-based): chr8:60,865,518, G>A. VCF-style: chr8-60865518-G-A. GRCh37 (hg19) VCF-style: chr8-61778077-G-A.
Other names: c.2432G>A, p.Ser811Asn (NM_001316690.1); short protein forms S2860N, S811N.
Identifiers: ClinVar variation 1413612 (VCV001413612.6), dbSNP rs2129766206, ClinGen allele CA371310622.